The following is an entry in ClinVar:

ClinVar aggregate classification (germline): Uncertain significance (1 of 4 stars; one submission).

Conditions:
Joubert syndrome. Also called: CEREBELLOPARENCHYMAL DISORDER IV; JOUBERT-BOLTSHAUSER SYNDROME; Familial aplasia of the vermis. Identifiers: Orphanet 475, MedGen C5979921, MONDO:0018772.

Allele frequency attached by ClinVar (database versions not stated): TOPMed below 0.00001.

Submission:

Labcorp Genetics (formerly Invitae), Labcorp
Classification: Uncertain significance for Joubert syndrome. Last evaluated: 2021-09-18. Review status: criteria provided, single submitter. Criteria: Invitae Variant Classification Sherloc (09022015). Collection method: clinical testing. Allele origin: germline.
Comment: This sequence change replaces lysine with glutamic acid at codon 213 of the AHI1 protein (p.Lys213Glu). The lysine residue is moderately conserved and there is a small physicochemical difference between lysine and glutamic acid. This variant is not present in population databases (ExAC no frequency). This variant has not been reported in the literature in individuals affected with AHI1-related conditions. Advanced modeling of protein sequence and biophysical properties (such as structural, functional, and spatial information, amino acid conservation, physicochemical variation, residue mobility, and thermodynamic stability) performed at Invitae indicates that this missense variant is not expected to disrupt AHI1 protein function. In summary, the available evidence is currently insufficient to determine the role of this variant in disease. Therefore, it has been classified as a Variant of Uncertain Significance.

NM_001134831.2(AHI1):c.637A>G (p.Lys213Glu)

Gene: AHI1 (Abelson helper integration site 1; minus strand). Cytogenetic location: 6q23.3.
Variant type: single nucleotide variant.
Coding change: c.637A>G on transcript NM_001134831.2 (MANE Select); coding-DNA position 637, A replaced by G.
Protein change: p.Lys213Glu; replaces lysine 213 with glutamic acid.
Molecular consequence: missense variant.
Genome position (GRCh38, 1-based): chr6:135,465,926, T>C on the plus strand (A>G on the coding strand, the complement: AHI1 is on the minus strand). VCF-style: chr6-135465926-T-C. GRCh37 (hg19) VCF-style: chr6-135787064-T-C.
Other names: c.637A>G, p.Lys213Glu (NM_001134830.2, NM_001134832.2, NM_001350503.2 and 2 more transcripts); short protein forms K213E.
Identifiers: ClinVar variation 1520088 (VCV001520088.6), dbSNP rs1790673913, ClinGen allele CA365750936.